The following is an entry in ClinVar:

NM_003073.5(SMARCB1):c.262G>T (p.Val88Leu)

Gene: SMARCB1 (SWI/SNF related BAF chromatin remodeling complex subunit B1; plus strand). Cytogenetic location: 22q11.23.
Variant type: single nucleotide variant.
Coding change: c.262G>T on transcript NM_003073.5 (MANE Select); coding-DNA position 262, G replaced by T.
Protein change: p.Val88Leu; replaces valine 88 with leucine.
Molecular consequence: missense variant.
Genome position (GRCh38, 1-based): chr22:23,793,588, G>T. VCF-style: chr22-23793588-G-T. GRCh37 (hg19) VCF-style: chr22-24135775-G-T.
Other names: c.262G>T (LRG_520t1); c.235G>T, p.Val79Leu (NM_001007468.3, NM_001317946.2); c.262G>T, p.Val88Leu (NM_001362877.2); short protein forms V88L, V79L.
Identifiers: ClinVar variation 653102 (VCV000653102.10), dbSNP rs1601391025, ClinGen allele CA410933681.

ClinVar aggregate classification (germline): Uncertain significance (1 of 4 stars; one submission).

Submission:

Labcorp Genetics (formerly Invitae), Labcorp
Classification: Uncertain significance. Last evaluated: 2019-06-19. Review status: criteria provided, single submitter. Criteria: Invitae Variant Classification Sherloc (09022015). Collection method: clinical testing. Allele origin: germline.
Comment: This variant has not been reported in the literature in individuals with SMARCB1-related disease. This sequence change replaces valine with leucine at codon 88 of the SMARCB1 protein (p.Val88Leu). The valine residue is highly conserved and there is a small physicochemical difference between valine and leucine. This variant is not present in population databases (ExAC no frequency). Algorithms developed to predict the effect of missense changes on protein structure and function are either unavailable or do not agree on the potential impact of this missense change (SIFT: "Deleterious"; PolyPhen-2: "Benign"; Align-GVGD: "Class C0"). In summary, the available evidence is currently insufficient to determine the role of this variant in disease. Therefore, it has been classified as a Variant of Uncertain Significance.